The following is an entry in ClinVar:

NM_007294.4(BRCA1):c.453T>G (p.Ser151Arg)

Gene: BRCA1 (BRCA1 DNA repair associated; minus strand). Cytogenetic location: 17q21.31.
Variant type: single nucleotide variant.
Coding change: c.453T>G on transcript NM_007294.4 (MANE Select); coding-DNA position 453, T replaced by G.
Protein change: p.Ser151Arg; replaces serine 151 with arginine.
Molecular consequence: missense variant. On other transcripts: non-coding transcript variant (1).
Genome position (GRCh38, 1-based): chr17:43,099,869, A>C on the plus strand (T>G on the coding strand, the complement: BRCA1 is on the minus strand). VCF-style: chr17-43099869-A-C. GRCh37 (hg19) VCF-style: chr17-41251886-A-C.
Other names: c.243T>G, p.Ser81Arg (NM_001408489.1, NM_001407879.1, NM_001407881.1 and 37 more transcripts); c.240T>G, p.Ser80Arg (NM_001408490.1, NM_001407571.1, NM_001407853.1 and 18 more transcripts); c.453T>G, p.Ser151Arg (NM_001407581.1, NM_001407582.1, NM_001407583.1 and 97 more transcripts); c.450T>G, p.Ser150Arg (NM_001407587.1, NM_001407590.1, NM_001407591.1 and 65 more transcripts); c.444T>G, p.Ser148Arg (NM_001407646.1, NM_001407647.1, NM_001408408.1); c.375T>G, p.Ser125Arg (NM_001407653.1, NM_001407654.1, NM_001407655.1 and 12 more transcripts); c.372T>G, p.Ser124Arg (NM_001407659.1, NM_001407660.1, NM_001407661.1 and 6 more transcripts); c.312T>G, p.Ser104Arg (NM_001407692.1, NM_001407694.1, NM_001407695.1 and 61 more transcripts); and 4 more; short protein forms S104R, S151R, S106R, S124R, S150R, S81R, S103R, S23R.
Identifiers: ClinVar variation 937709 (VCV000937709.9), dbSNP rs1555594986, ClinGen allele CA10601226.

ClinVar aggregate classification (germline): Uncertain significance. Review status: criteria provided, multiple submitters, no conflicts (2 of 4 stars). 2 submissions from 2 submitters: Uncertain significance (2). Last evaluated 2025-04-21.

Conditions:
Hereditary cancer-predisposing syndrome. Also called: Tumor predisposition; Hereditary neoplastic syndrome; Hereditary Cancer Syndrome; Neoplastic Syndromes, Hereditary. Identifiers: Orphanet 140162, MedGen C0027672, MeSH D009386, MONDO:0015356.
Hereditary breast ovarian cancer syndrome. Also called: BRCA1- and BRCA2-Associated Hereditary Breast and Ovarian Cancer; Hereditary breast and/or ovarian cancer syndrome; Hereditary breast and ovarian cancer syndrome; Hereditary breast and ovarian cancer; Breast and ovarian cancer; Hereditary breast and ovarian cancer syndrome (HBOC). Identifiers: Orphanet 145, MedGen C0677776, MeSH D061325, MONDO:0003582. Disease mechanism: loss of function.

Submissions (2):

Ambry Genetics
Classification: Uncertain significance for Hereditary cancer-predisposing syndrome. Last evaluated: 2025-04-21. Review status: criteria provided, single submitter. Criteria: Ambry Variant Classification Scheme 2023. Collection method: clinical testing. Allele origin: germline.
Comment: The p.S151R variant (also known as c.453T>G), located in coding exon 6 of the BRCA1 gene, results from a T to G substitution at nucleotide position 453. The serine at codon 151 is replaced by arginine, an amino acid with dissimilar properties. This amino acid position is not well conserved in available vertebrate species. In addition, the in silico prediction for this alteration is inconclusive. Based on the available evidence, the clinical significance of this variant remains unclear.

Labcorp Genetics (formerly Invitae), Labcorp
Classification: Uncertain significance for Hereditary breast ovarian cancer syndrome. Last evaluated: 2021-08-20. Review status: criteria provided, single submitter. Criteria: Invitae Variant Classification Sherloc (09022015). Collection method: clinical testing. Allele origin: germline.
Comment: This sequence change replaces serine with arginine at codon 151 of the BRCA1 protein (p.Ser151Arg). The serine residue is moderately conserved and there is a moderate physicochemical difference between serine and arginine. This variant is not present in population databases (ExAC no frequency). This variant has not been reported in the literature in individuals affected with BRCA1-related conditions. Algorithms developed to predict the effect of missense changes on protein structure and function output the following: SIFT: "Deleterious"; PolyPhen-2: "Possibly Damaging"; Align-GVGD: "Class C0". The arginine amino acid residue is found in multiple mammalian species, which suggests that this missense change does not adversely affect protein function. In summary, the available evidence is currently insufficient to determine the role of this variant in disease. Therefore, it has been classified as a Variant of Uncertain Significance.